The following is an entry in ClinVar:

NM_000179.3(MSH6):c.523G>A (p.Ala175Thr)

Gene: MSH6 (mutS homolog 6; plus strand). Cytogenetic location: 2p16.3.
Variant type: single nucleotide variant.
Coding change: c.523G>A on transcript NM_000179.3 (MANE Select); coding-DNA position 523, G replaced by A.
Protein change: p.Ala175Thr; replaces alanine 175 with threonine.
Molecular consequence: missense variant. On other transcripts: 5 prime UTR variant (1), intron variant (2).
Genome position (GRCh38, 1-based): chr2:47,795,959, G>A. VCF-style: chr2-47795959-G-A. GRCh37 (hg19) VCF-style: chr2-48023098-G-A.
Other names: c.-380G>A (NM_001281494.2); c.619G>A, p.Ala207Thr (NM_001406795.1, NM_001406802.1); c.523G>A, p.Ala175Thr (NM_001406796.1, NM_001406798.1, NM_001406800.1 and 5 more transcripts); c.226G>A, p.Ala76Thr (NM_001406797.1, NM_001406801.1, NM_001406805.1 and 10 more transcripts); c.-3G>A (NM_001406799.1, NM_001406806.1, NM_001406807.1); c.445G>A, p.Ala149Thr (NM_001406804.1); c.529G>A, p.Ala177Thr (NM_001406813.1); c.-472G>A (NM_001406814.1); and 3 more; short protein forms A149T, A119T, A175T, A76T, A177T, A207T.
Identifiers: ClinVar variation 1746289 (VCV001746289.8), dbSNP rs2104232775, ClinGen allele CA346738688.

ClinVar aggregate classification (germline): Uncertain significance. Review status: criteria provided, multiple submitters, no conflicts (2 of 4 stars). 3 submissions from 3 submitters: Uncertain significance (3). Last evaluated 2023-01-04.

Conditions:
Hereditary nonpolyposis colorectal neoplasms. Identifiers: MedGen C0009405, MeSH D003123.
Hereditary cancer-predisposing syndrome. Also called: Hereditary Cancer Syndrome; Neoplastic Syndromes, Hereditary; Tumor predisposition; Hereditary neoplastic syndrome. Identifiers: Orphanet 140162, MedGen C0027672, MeSH D009386, MONDO:0015356.
Lynch syndrome 5 (LYNCH5). Also called: Colorectal cancer, hereditary nonpolyposis, type 5; Hereditary non-polyposis colorectal cancer, type 5. Identifiers: Orphanet 144, MedGen C1833477, MONDO:0013710, OMIM 614350. Disease mechanism: loss of function.

Submissions (3):

Department of Pathology and Laboratory Medicine, Sinai Health System
Classification: Uncertain significance for Lynch syndrome 5. Last evaluated: 2023-01-04. Review status: criteria provided, single submitter. Criteria: ACMG Guidelines, 2015. Collection method: clinical testing. Allele origin: germline. Affected: yes.

Labcorp Genetics (formerly Invitae), Labcorp
Classification: Uncertain significance for Hereditary nonpolyposis colorectal neoplasms. Last evaluated: 2022-04-27. Review status: criteria provided, single submitter. Criteria: Invitae Variant Classification Sherloc (09022015). Collection method: clinical testing. Allele origin: germline.
Comment: In summary, the available evidence is currently insufficient to determine the role of this variant in disease. Therefore, it has been classified as a Variant of Uncertain Significance. Algorithms developed to predict the effect of missense changes on protein structure and function are either unavailable or do not agree on the potential impact of this missense change (SIFT: "Deleterious"; PolyPhen-2: "Possibly Damaging"; Align-GVGD: "Class C0"). This variant has not been reported in the literature in individuals affected with MSH6-related conditions. This variant is not present in population databases (gnomAD no frequency). This sequence change replaces alanine, which is neutral and non-polar, with threonine, which is neutral and polar, at codon 175 of the MSH6 protein (p.Ala175Thr).

Ambry Genetics
Classification: Uncertain significance for Hereditary cancer-predisposing syndrome. Last evaluated: 2019-07-08. Review status: criteria provided, single submitter. Criteria: Ambry Variant Classification Scheme 2023. Collection method: clinical testing. Allele origin: germline.
Comment: The p.A175T variant (also known as c.523G>A), located in coding exon 3 of the MSH6 gene, results from a G to A substitution at nucleotide position 523. The alanine at codon 175 is replaced by threonine, an amino acid with similar properties. This amino acid position is highly conserved in available vertebrate species. In addition, the in silico prediction for this alteration is inconclusive. Since supporting evidence is limited at this time, the clinical significance of this alteration remains unclear.